The following is an entry in ClinVar:

ClinVar aggregate classification (germline): Likely benign (0 of 4 stars; one submission).

Conditions:
CEP135-related disorder. Also called: CEP135-related condition.

Allele frequency attached by ClinVar (database versions not stated): TOPMed below 0.00001; gnomAD 0.00001.

Submission:

PreventionGenetics, part of Exact Sciences
Classification: Likely benign for CEP135-related condition. Last evaluated: 2019-09-10. Review status: no assertion criteria provided. Collection method: clinical testing. Allele origin: germline.
Comment: This variant is classified as likely benign based on ACMG/AMP sequence variant interpretation guidelines (Richards et al. 2015 PMID: 25741868, with internal and published modifications).

NM_025009.5(CEP135):c.1780-7T>C

Gene: CEP135 (centrosomal protein 135; plus strand). Cytogenetic location: 4q12.
Variant type: single nucleotide variant.
Coding change: c.1780-7T>C on transcript NM_025009.5 (MANE Select); 7 bases into the intron before coding-DNA position 1780, T replaced by C.
Molecular consequence: intron variant.
Genome position (GRCh38, 1-based): chr4:55,985,274, T>C. VCF-style: chr4-55985274-T-C. GRCh37 (hg19) VCF-style: chr4-56851440-T-C.
Identifiers: ClinVar variation 3039940 (VCV003039940.2), dbSNP rs1470620861, ClinGen allele CA551397790.